The following is an entry in ClinVar:

NM_000322.5(PRPH2):c.228del (p.Leu77fs)

Gene: PRPH2 (peripherin 2; minus strand). Cytogenetic location: 6p21.1.
Variant type: Deletion.
Coding change: c.228del on transcript NM_000322.5 (MANE Select); coding-DNA position 228, one base deleted (G; older notation c.228delG).
Protein change: p.Leu77fs; shifts the reading frame from leucine 77.
Molecular consequence: frameshift variant.
Genome position (GRCh38, 1-based): chr6:42,722,107, C deleted on the plus strand (G on the coding strand, the reverse complement: PRPH2 is on the minus strand). VCF-style (leftmost placement, unchanged base first): chr6-42722106-GC-G. GRCh37 (hg19) VCF-style: chr6-42689844-GC-G.
Other names: short protein forms L77fs.
Identifiers: ClinVar variation 1393073 (VCV001393073.6), dbSNP rs2152011039, ClinGen allele CA2573140736.
Genomic context (GRCh38, chr6:42,722,106, plus strand): 5'-AGGGCTTCCATCTGGCATACTTGGCTGGGTCCAGGGCGTCGTAGCAGATCTTCCCAGCCA[GC>G]GAGTTGAAGACACAGGATAGCACCCCCATCCCTATCAATGAGTTGGGCACAAAATGGCTC-3'

ClinVar aggregate classification (germline): Pathogenic (1 of 4 stars; one submission).

Conditions:
PRPH2-related disorder. Also called: PRPH2-related condition; PRPH2-related disorders. Identifiers: MedGen CN239395.

Submission:

Labcorp Genetics (formerly Invitae), Labcorp
Classification: Pathogenic for PRPH2-related disorder. Last evaluated: 2021-11-02. Review status: criteria provided, single submitter. Criteria: Invitae Variant Classification Sherloc (09022015). Collection method: clinical testing. Allele origin: germline.
Comment: For these reasons, this variant has been classified as Pathogenic. This variant has not been reported in the literature in individuals affected with PRPH2-related conditions. This variant is not present in population databases (gnomAD no frequency). This sequence change creates a premature translational stop signal (p.Leu77Trpfs*22) in the PRPH2 gene. It is expected to result in an absent or disrupted protein product. Loss-of-function variants in PRPH2 are known to be pathogenic (PMID: 8111389, 8485575, 8485576, 8675410, 16916875, 17504850, 25675413, 26061163, 27365499, 29555955).

Literature cited by the submitters: PubMed 8111389; PubMed 8485575; PubMed 8485576; PubMed 8675410; PubMed 16916875; PubMed 17504850; PubMed 25675413; PubMed 26061163; PubMed 27365499; PubMed 29555955.